The following is an entry in ClinVar:

NM_014806.5(RUSC2):c.3856A>G (p.Ile1286Val)

Gene: RUSC2 (RUN and SH3 domain containing 2; plus strand). Cytogenetic location: 9p13.3.
Variant type: single nucleotide variant.
Coding change: c.3856A>G on transcript NM_014806.5 (MANE Select); coding-DNA position 3856, A replaced by G.
Protein change: p.Ile1286Val; replaces isoleucine 1286 with valine.
Molecular consequence: missense variant. On other transcripts: non-coding transcript variant (1).
Genome position (GRCh38, 1-based): chr9:35,560,496, A>G. VCF-style: chr9-35560496-A-G. GRCh37 (hg19) VCF-style: chr9-35560493-A-G.
Other names: c.3856A>G, p.Ile1286Val (NM_001135999.2); c.1222A>G, p.Ile408Val (NM_001330740.2); short protein forms I408V, I1286V.
Identifiers: ClinVar variation 1492500 (VCV001492500.3), dbSNP rs747226888, ClinGen allele CA5044253.

ClinVar aggregate classification (germline): Uncertain significance (1 of 4 stars; one submission).

Allele frequency attached by ClinVar (database versions not stated): gnomAD exomes below 0.00001; ExAC 0.00001.
gnomAD v4.1: 2 of 1,614,206 alleles (0.00012%); highest among the groups gnomAD compares: Admixed American, 0.0033%; no homozygotes.

Submission:

Labcorp Genetics (formerly Invitae), Labcorp
Classification: Uncertain significance. Last evaluated: 2021-12-05. Review status: criteria provided, single submitter. Criteria: Invitae Variant Classification Sherloc (09022015). Collection method: clinical testing. Allele origin: germline.
Comment: This sequence change replaces isoleucine, which is neutral and non-polar, with valine, which is neutral and non-polar, at codon 1286 of the RUSC2 protein (p.Ile1286Val). This variant is present in population databases (rs747226888, gnomAD 0.003%). This variant has not been reported in the literature in individuals affected with RUSC2-related conditions. Algorithms developed to predict the effect of missense changes on protein structure and function output the following: SIFT: "Tolerated"; PolyPhen-2: "Benign"; Align-GVGD: "Class C0". The valine amino acid residue is found in multiple mammalian species, which suggests that this missense change does not adversely affect protein function. In summary, the available evidence is currently insufficient to determine the role of this variant in disease. Therefore, it has been classified as a Variant of Uncertain Significance.